The following is an entry in ClinVar:

ClinVar aggregate classification (germline): Uncertain significance (1 of 4 stars; one submission).

Submission:

Ambry Genetics
Classification: Uncertain significance. Last evaluated: 2021-11-22. Review status: criteria provided, single submitter. Criteria: Ambry Variant Classification Scheme 2023. Collection method: clinical testing. Allele origin: germline.
Comment: The p.T147I variant (also known as c.440C>T), located in coding exon 1 of the PALLD gene, results from a C to T substitution at nucleotide position 440. The threonine at codon 147 is replaced by isoleucine, an amino acid with similar properties. This amino acid position is conserved. In addition, this alteration is predicted to be tolerated by in silico analysis. Since supporting evidence is limited at this time, the clinical significance of this alteration remains unclear.

NM_001166108.2(PALLD):c.440C>T (p.Thr147Ile)

Gene: PALLD (palladin, cytoskeletal associated protein; plus strand). Cytogenetic location: 4q32.3.
Variant type: single nucleotide variant.
Coding change: c.440C>T on transcript NM_001166108.2 (MANE Select); coding-DNA position 440, C replaced by T.
Protein change: p.Thr147Ile; replaces threonine 147 with isoleucine.
Molecular consequence: missense variant.
Genome position (GRCh38, 1-based): chr4:168,511,944, C>T. VCF-style: chr4-168511944-C-T. GRCh37 (hg19) VCF-style: chr4-169433095-C-T.
Other names: c.440C>T, p.Thr147Ile (NM_016081.4); short protein forms T147I.
Identifiers: ClinVar variation 1740381 (VCV001740381.2), dbSNP rs2531432430, ClinGen allele CA358726030.
Genomic context (GRCh38, chr4:168,511,944, plus strand): 5'-TGCTCACCAGGCCCAGCTACATCCGGAGCCTCCGAAAGGCTGAAAAGCGTGGTGCAAAAA[C>T]TCCCAGCACAAACGTAAAGCCCAAAACGCCACATCAAAGAAAGGGTGGCCCCCAGAGCCA-3'
Protein context (NP_001159580.1, residues 137-157): LRKAEKRGAK[Thr147Ile]PSTNVKPKTP